The following is an entry in ClinVar:

ClinVar aggregate classification (germline): Uncertain significance (1 of 4 stars; one submission).

Conditions:
Charcot-Marie-Tooth disease type 4. Also called: Charcot-Marie-Tooth, Type 4; Charcot-Marie-Tooth disease, type IV. Identifiers: Orphanet 64749, MedGen C4082197, MONDO:0018995.

Allele frequency attached by ClinVar (database versions not stated): gnomAD exomes below 0.00001.
gnomAD v4.1: 2 of 1,614,138 alleles (0.00012%); highest among the groups gnomAD compares: South Asian, 0.0011%; no homozygotes.

Submission:

Labcorp Genetics (formerly Invitae), Labcorp
Classification: Uncertain significance for Charcot-Marie-Tooth disease type 4. Last evaluated: 2022-07-22. Review status: criteria provided, single submitter. Criteria: Invitae Variant Classification Sherloc (09022015). Collection method: clinical testing. Allele origin: germline.
Comment: This variant is present in population databases (no rsID available, gnomAD 0.003%). This sequence change replaces asparagine, which is neutral and polar, with serine, which is neutral and polar, at codon 273 of the NDRG1 protein (p.Asn273Ser). This variant has not been reported in the literature in individuals affected with NDRG1-related conditions. Algorithms developed to predict the effect of missense changes on protein structure and function are either unavailable or do not agree on the potential impact of this missense change (SIFT: "Tolerated"; PolyPhen-2: "Probably Damaging"; Align-GVGD: "Class C0"). In summary, the available evidence is currently insufficient to determine the role of this variant in disease. Therefore, it has been classified as a Variant of Uncertain Significance.

NM_006096.4(NDRG1):c.818A>G (p.Asn273Ser)

Gene: NDRG1 (N-myc downstream regulated 1; minus strand). Cytogenetic location: 8q24.22.
Variant type: single nucleotide variant.
Coding change: c.818A>G on transcript NM_006096.4 (MANE Select); coding-DNA position 818, A replaced by G.
Protein change: p.Asn273Ser; replaces asparagine 273 with serine.
Molecular consequence: missense variant.
Genome position (GRCh38, 1-based): chr8:133,246,653, T>C on the plus strand (A>G on the coding strand, the complement: NDRG1 is on the minus strand). VCF-style: chr8-133246653-T-C. GRCh37 (hg19) VCF-style: chr8-134258896-T-C.
Other names: c.818A>G, p.Asn273Ser (NM_001135242.2, NM_001374845.1, NM_001374846.1); c.620A>G, p.Asn207Ser (NM_001258432.2, NM_001374847.1); c.575A>G, p.Asn192Ser (NM_001258433.2); c.869A>G, p.Asn290Ser (NM_001374844.1); short protein forms N273S, N290S, N207S, N192S.
Identifiers: ClinVar variation 1900949 (VCV001900949.5), dbSNP rs1359676272, ClinGen allele CA372254986.
Genomic context (GRCh38, chr8:133,246,653, plus strand): 5'-AACCCCCACTGTTTTCCCTGTACCTTGAGGAGAGTGGTCTTTGTTGGGTCCAATTTTGAG[T>C]TGCACTCCACCTGCACAAGAGGGAGGAAATCTGTTAATTTTCTACGTGAAGCCAAAGCCA-3'
Protein context (NP_006087.2, residues 263-283): SPAVDAVVEC[Asn273Ser]SKLDPTKTTL